The following is an entry in ClinVar:

NM_001375524.1(TRRAP):c.9193A>G (p.Thr3065Ala)

Gene: TRRAP (transformation/transcription domain associated protein; plus strand). Cytogenetic location: 7q22.1.
Variant type: single nucleotide variant.
Coding change: c.9193A>G on transcript NM_001375524.1 (MANE Select); coding-DNA position 9193, A replaced by G.
Protein change: p.Thr3065Ala; replaces threonine 3065 with alanine.
Molecular consequence: missense variant.
Genome position (GRCh38, 1-based): chr7:98,984,263, A>G. VCF-style: chr7-98984263-A-G. GRCh37 (hg19) VCF-style: chr7-98581886-A-G.
Other names: c.9205A>G (NM_001244580.1); c.9118A>G (NM_003496.3); c.9205A>G, p.Thr3069Ala (NM_001244580.2); c.9118A>G, p.Thr3040Ala (NM_003496.4); short protein forms T3040A, T3069A, T3065A.
Identifiers: ClinVar variation 2084846 (VCV002084846.7), dbSNP rs753395631, ClinGen allele CA4361645.

ClinVar aggregate classification (germline): Uncertain significance. Review status: criteria provided, multiple submitters, no conflicts (2 of 4 stars). 3 submissions from 3 submitters: Uncertain significance (3). Last evaluated 2026-01-27.

Conditions:
Inborn genetic diseases. Identifiers: MedGen C0950123, MeSH D030342.
TRRAP-related disorder. Also called: TRRAP-related condition.

Allele frequency attached by ClinVar (database versions not stated): gnomAD exomes below 0.00001; ExAC 0.00001; TOPMed 0.00001.
gnomAD v4.1: 5 of 1,612,922 alleles (0.00031%); highest among the groups gnomAD compares: Admixed American, 0.0033%; no homozygotes.

Submissions (4):

PreventionGenetics, part of Exact Sciences
Classification: Uncertain significance for TRRAP-related condition. Last evaluated: 2026-01-27. Review status: criteria provided, single submitter. Criteria: ACMG Guidelines, 2015. Collection method: clinical testing. Allele origin: germline.
Comment: The TRRAP c.9118A>G variant is predicted to result in the amino acid substitution p.Thr3040Ala. To our knowledge, this variant has not been reported in the literature. This variant is reported in 0.0029% of alleles in individuals of Latino descent in gnomAD. At this time, the clinical significance of this variant is uncertain due to the absence of conclusive functional and genetic evidence.

Ambry Genetics
Classification: Uncertain significance for Inborn genetic diseases. Last evaluated: 2024-03-19. Review status: criteria provided, single submitter. Criteria: Ambry Variant Classification Scheme 2023. Collection method: clinical testing. Allele origin: germline.

Labcorp Genetics (formerly Invitae), Labcorp
Classification: Uncertain significance. Last evaluated: 2023-04-24. Review status: criteria provided, single submitter. Criteria: Invitae Variant Classification Sherloc (09022015). Collection method: clinical testing. Allele origin: germline.
Comment: In summary, the available evidence is currently insufficient to determine the role of this variant in disease. Therefore, it has been classified as a Variant of Uncertain Significance. Advanced modeling of protein sequence and biophysical properties (such as structural, functional, and spatial information, amino acid conservation, physicochemical variation, residue mobility, and thermodynamic stability) performed at Invitae indicates that this missense variant is not expected to disrupt TRRAP protein function. ClinVar contains an entry for this variant (Variation ID: 2084846). This variant has not been reported in the literature in individuals affected with TRRAP-related conditions. This variant is present in population databases (rs753395631, gnomAD 0.003%). This sequence change replaces threonine, which is neutral and polar, with alanine, which is neutral and non-polar, at codon 3040 of the TRRAP protein (p.Thr3040Ala).

Dr. Peter K. Rogan Lab, Western University
No classification provided (evidence only). Condition: Malignant tumor of urinary bladder. Review status: no classification provided. Collection method: in vitro. Allele origin: not applicable. Functional consequence: retained intron. Not counted in ClinVar's aggregate classification.